The following is an entry in ClinVar:

ClinVar aggregate classification (germline): Conflicting classifications of pathogenicity. Review status: criteria provided, conflicting classifications (1 of 4 stars). 3 submissions from 3 submitters: Likely pathogenic (2); Uncertain significance (1). Last evaluated 2026-04-24.

Conditions:
Cardiovascular phenotype. Identifiers: MedGen CN230736.
Autosomal recessive limb-girdle muscular dystrophy type 2J (LGMDR10). Also called: Limb-girdle muscular dystrophy, type 2J; MUSCULAR DYSTROPHY, LIMB-GIRDLE, AUTOSOMAL RECESSIVE 10. Identifiers: Orphanet 140922, MedGen C1837342, MONDO:0012127, OMIM 608807.
Dilated cardiomyopathy 1G (CMD1G). Identifiers: Orphanet 154, MedGen C1858763, MONDO:0011400, OMIM 604145.
Cardiomyopathy (CMYO). Also called: Cardiomyopathies. Identifiers: Orphanet 167848, MedGen C0878544, MONDO:0004994, HP:0001638. Inheritance: Various modes of inheritance.

Allele frequency attached by ClinVar (database versions not stated): ExAC 0.00001.

Submissions (3):

Ambry Genetics
Classification: Uncertain significance for Cardiovascular phenotype. Last evaluated: 2026-04-24. Review status: criteria provided, single submitter. Criteria: Ambry Variant Classification Scheme 2023. Collection method: clinical testing. Allele origin: germline.
Comment: The c.584-1G>T intronic variant results from a G to T substitution one nucleotide before coding exon 4 of the TTN gene. This exon is located in the Z-disk region of the N2-B isoform of the titin protein and is constitutively expressed in TTN transcripts (percent spliced in or PSI 100%). This variant disrupts the canonical splice site and is expected to cause aberrant splicing. In silico splice site analysis predicts that this alteration will weaken the native splice acceptor site and will result in the creation or strengthening of a novel splice acceptor site. However, although direct evidence is unavailable, this variant is predicted to result in an in-frame transcript that is not expected to trigger nonsense-mediated mRNA decay. The exact functional effect of the predicted splice impact is unknown. This nucleotide position is highly conserved in available vertebrate species. Based on the available evidence, the clinical significance of this variant remains unclear.

Labcorp Genetics (formerly Invitae), Labcorp
Classification: Likely pathogenic for Dilated cardiomyopathy 1G; Autosomal recessive limb-girdle muscular dystrophy type 2J. Last evaluated: 2024-01-08. Review status: criteria provided, single submitter. Criteria: Invitae Variant Classification Sherloc (09022015). Collection method: clinical testing. Allele origin: germline.
Comment: This sequence change affects an acceptor splice site in intron 4 of the TTN gene. It is expected to disrupt RNA splicing and likely results in a truncated or disrupted TTN protein. This variant is present in population databases (rs764795457, gnomAD no frequency). This variant has not been reported in the literature in individuals affected with TTN-related conditions. ClinVar contains an entry for this variant (Variation ID: 1933739). Algorithms developed to predict the effect of sequence changes on RNA splicing suggest that this variant may disrupt the consensus splice site. This variant is located in the Z band of TTN (PMID: 25589632). Truncating variants in this region have been reported in individuals affected with autosomal recessive centronuclear myopathy (PMID: 33449170, Invitae internal data). Truncating variants in this region have also been identified in individuals affected with autosomal dominant dilated cardiomyopathy and/or cardio-related conditions (PMID: 27869827, 32964742, Invitae internal data). In summary, the currently available evidence indicates that the variant is pathogenic, but additional data are needed to prove that conclusively. Therefore, this variant has been classified as Likely Pathogenic.

CHEO Genetics Diagnostic Laboratory, Children's Hospital of Eastern Ontario
Classification: Likely pathogenic for Cardiomyopathy. Last evaluated: 2021-11-25. Review status: criteria provided, single submitter. Criteria: ACMG Guidelines, 2015. Collection method: clinical testing. Allele origin: germline.

Literature cited by the submitters: PubMed 25589632 (cited by Labcorp Genetics (formerly Invitae), Labcorp); PubMed 33449170 (cited by Labcorp Genetics (formerly Invitae), Labcorp); PubMed 27869827 (cited by Labcorp Genetics (formerly Invitae), Labcorp); PubMed 32964742 (cited by Labcorp Genetics (formerly Invitae), Labcorp).

NM_001267550.2(TTN):c.584-1G>T

Gene: TTN (titin; minus strand). Cytogenetic location: 2q31.2.
Variant type: single nucleotide variant.
Coding change: c.584-1G>T on transcript NM_001267550.2 (MANE Select); the canonical splice acceptor site of the intron before coding-DNA position 584, G replaced by T.
Molecular consequence: splice acceptor variant.
Genome position (GRCh38, 1-based): chr2:178,799,911, C>A on the plus strand (G>T on the coding strand, the complement: TTN is on the minus strand). VCF-style: chr2-178799911-C-A. GRCh37 (hg19) VCF-style: chr2-179664638-C-A.
Other names: c.584-1G>T (NM_003319.4, NM_133437.4, NM_133432.3 and 3 more transcripts).
Identifiers: ClinVar variation 1933739 (VCV001933739.8), dbSNP rs764795457, ClinGen allele CA2006279.
Genomic context (GRCh38, chr2:178,799,911, plus strand): 5'-CTGAGATCTGAGCAGTCGAAACAATTGTCTTTGTCTTTTTAGCAGGTACTTCTTCTTCAC[C>A]TGTGGGAAGGGAAAGATGAATGTTTGGGAGGGGGCACAATGACCCATTTTAAAAGAGATT-3'